The following is an entry in ClinVar:

NM_001164508.2(NEB):c.11582C>T (p.Ala3861Val)

Gene: NEB (nebulin; minus strand). Cytogenetic location: 2q23.3.
Variant type: single nucleotide variant.
Coding change: c.11582C>T on transcript NM_001164508.2 (MANE Select); coding-DNA position 11582, C replaced by T.
Protein change: p.Ala3861Val; replaces alanine 3861 with valine.
Molecular consequence: missense variant.
Genome position (GRCh38, 1-based): chr2:151,614,295, G>A on the plus strand (C>T on the coding strand, the complement: NEB is on the minus strand). VCF-style: chr2-151614295-G-A. GRCh37 (hg19) VCF-style: chr2-152470809-G-A.
Other names: c.11582C>T, p.Ala3861Val (NM_001164507.2, NM_001271208.2); c.10853C>T, p.Ala3618Val (NM_004543.5); short protein forms A3618V, A3861V.
Identifiers: ClinVar variation 1440657 (VCV001440657.5), dbSNP rs773465698, ClinGen allele CA1908729.

ClinVar aggregate classification (germline): Uncertain significance (1 of 4 stars; one submission).

Conditions:
Nemaline myopathy 2 (NEM2). Also called: Nemaline myopathy 2, autosomal recessive. Identifiers: MedGen C1850569, MONDO:0009725, OMIM 256030.

Allele frequency attached by ClinVar (database versions not stated): ExAC 0.00001; gnomAD exomes 0.00001; TOPMed 0.00001.
gnomAD v4.1: 3 of 1,613,784 alleles (0.00019%); highest among the groups gnomAD compares: Admixed American, 0.005%; no homozygotes.

Submission:

Labcorp Genetics (formerly Invitae), Labcorp
Classification: Uncertain significance for Nemaline myopathy 2. Last evaluated: 2021-09-17. Review status: criteria provided, single submitter. Criteria: Invitae Variant Classification Sherloc (09022015). Collection method: clinical testing. Allele origin: germline.
Comment: This sequence change replaces alanine with valine at codon 3861 of the NEB protein (p.Ala3861Val). The alanine residue is moderately conserved and there is a small physicochemical difference between alanine and valine. This variant is present in population databases (rs773465698, ExAC 0.009%). This variant has not been reported in the literature in individuals with NEB-related conditions. Algorithms developed to predict the effect of missense changes on protein structure and function are either unavailable or do not agree on the potential impact of this missense change (SIFT: "Deleterious"; PolyPhen-2: "Not available"; Align-GVGD: "Class C0"). Algorithms developed to predict the effect of sequence changes on RNA splicing suggest that this variant may create or strengthen a splice site, but this prediction has not been confirmed by published transcriptional studies. In summary, the available evidence is currently insufficient to determine the role of this variant in disease. Therefore, it has been classified as a Variant of Uncertain Significance.